The following is an entry in ClinVar:

NM_015046.7(SETX):c.4850C>T (p.Ser1617Phe)

Gene: SETX (senataxin; minus strand). Cytogenetic location: 9q34.13.
Variant type: single nucleotide variant.
Coding change: c.4850C>T on transcript NM_015046.7 (MANE Select); coding-DNA position 4850, C replaced by T.
Protein change: p.Ser1617Phe; replaces serine 1617 with phenylalanine.
Molecular consequence: missense variant.
Genome position (GRCh38, 1-based): chr9:132,326,748, G>A on the plus strand (C>T on the coding strand, the complement: SETX is on the minus strand). VCF-style: chr9-132326748-G-A. GRCh37 (hg19) VCF-style: chr9-135202135-G-A.
Other names: c.4850C>T, p.Ser1617Phe (NM_001351527.2, NM_001351528.2); short protein forms S1617F.
Identifiers: ClinVar variation 3760609 (VCV003760609.3).

ClinVar aggregate classification (germline): Conflicting classifications of pathogenicity. Review status: criteria provided, conflicting classifications (1 of 4 stars). 2 submissions from 2 submitters: Uncertain significance (1); Benign (1). Last evaluated 2025-05-28.

Conditions:
Spinocerebellar ataxia, autosomal recessive, with axonal neuropathy 2 (SCAN2). Also called: Ataxia-ocular apraxia-2; ATAXIA-OCULOMOTOR APRAXIA 2; Ataxia with Oculomotor Apraxia; Ataxia with Oculomotor Apraxia Type 2. Identifiers: Orphanet 64753, MedGen C1853761, MONDO:0018996, OMIM 606002.
Amyotrophic lateral sclerosis type 4 (ALS4). Also called: AMYOTROPHIC LATERAL SCLEROSIS 4, JUVENILE; NEURONOPATHY, DISTAL HEREDITARY MOTOR, WITH PYRAMIDAL FEATURES. Identifiers: Orphanet 357043, MedGen C1865409, MONDO:0011223, OMIM 602433.

gnomAD v4.1: 9 of 1,614,210 alleles (0.00056%); highest among the groups gnomAD compares: African/African-American, 0.0013%; no homozygotes.

Submissions (2):

Athena Diagnostics
Classification: Uncertain significance. Last evaluated: 2025-05-28. Review status: criteria provided, single submitter. Criteria: Athena Diagnostics Criteria. Collection method: clinical testing. Allele origin: unknown.
Comment: Available data are insufficient to determine the clinical significance of the variant at this time. The frequency of this variant in the general population is uninformative in assessment of its pathogenicity. Polyphen and MutationTaster predict this amino acid change may be benign.

Labcorp Genetics (formerly Invitae), Labcorp
Classification: Benign for Amyotrophic lateral sclerosis type 4; Spinocerebellar ataxia, autosomal recessive, with axonal neuropathy 2. Last evaluated: 2024-05-15. Review status: criteria provided, single submitter. Criteria: Invitae Variant Classification Sherloc (09022015). Collection method: clinical testing. Allele origin: germline.